The following is an entry in ClinVar:

ClinVar aggregate classification (germline): Uncertain significance (1 of 4 stars; one submission).

Conditions:
Norman-Roberts syndrome (LIS2). Also called: Lissencephaly 2 (Norman-Roberts type). Identifiers: Orphanet 89844, MedGen C0796089, MONDO:0009760, OMIM 257320.

Submission:

Broad Center for Mendelian Genomics, Broad Institute of MIT and Harvard
Classification: Uncertain significance for Norman-Roberts syndrome. Last evaluated: 2023-05-02. Review status: criteria provided, single submitter. Criteria: ACMG Guidelines, 2015. Collection method: curation. Allele origin: germline. Inheritance: Autosomal recessive inheritance.
Comment: The homozygous c.5615-102A>G variant in RELN was identified by our study in two siblings with microcephaly, developmental delay, and lissencephaly. The c.5615-102A>G variant in RELN has not been previously reported in individuals with lissencephaly 2 (Norman-Roberts syndrome). This variant was absent from large population studies. This variant is located in the 3' splice region. Computational tools do suggest an impact to splicing. However, this information is not predictive enough to determine pathogenicity. In summary, the clinical significance of the c.5615-102A>G variant is uncertain. ACMG/AMP Criteria applied: PM2_Supporting, PM3_Supporting, PP3 (Richards 2015).

NM_005045.4(RELN):c.5615-102A>G

Gene: RELN (reelin; minus strand). Cytogenetic location: 7q22.1.
Variant type: single nucleotide variant.
Coding change: c.5615-102A>G on transcript NM_005045.4 (MANE Select); 102 bases into the intron before coding-DNA position 5615, A replaced by G.
Molecular consequence: intron variant.
Genome position (GRCh38, 1-based): chr7:103,557,261, T>C on the plus strand (A>G on the coding strand, the complement: RELN is on the minus strand). VCF-style: chr7-103557261-T-C. GRCh37 (hg19) VCF-style: chr7-103197708-T-C.
Other names: NM_173054.3:c.5615-102A>G; c.5615-102A>G (NM_173054.3).
Identifiers: ClinVar variation 2500855 (VCV002500855.1), dbSNP rs2484726787, ClinGen allele CA2573332133.
Genomic context (GRCh38, chr7:103,557,261, plus strand): 5'-AAATGGGGAAATGGTATGTTCTTAGCTGAATCTTTAGGCATCAATGCATAAGAGAACTTA[T>C]GTTTACATGGAAGCTTTATAGTCCAAATGCTTCAGAAGCAACTTAAGGGGATGACAGGTT-3'